The following is an entry in ClinVar:

NM_000206.3(IL2RG):c.311A>T (p.His104Leu)

Gene: IL2RG (interleukin 2 receptor subunit gamma; minus strand). Cytogenetic location: Xq13.1.
Variant type: single nucleotide variant.
Coding change: c.311A>T on transcript NM_000206.3 (MANE Select); coding-DNA position 311, A replaced by T.
Protein change: p.His104Leu; replaces histidine 104 with leucine.
Molecular consequence: missense variant.
Genome position (GRCh38, 1-based): chrX:71,110,647, T>A on the plus strand (A>T on the coding strand, the complement: IL2RG is on the minus strand). VCF-style: chrX-71110647-T-A. GRCh37 (hg19) VCF-style: chrX-70330497-T-A.
Other names: NM_000206.3(IL2RG):c.311A>T; p.His104Leu; short protein forms H104L.
Identifiers: ClinVar variation 965763 (VCV000965763.9), dbSNP rs770804846, ClinGen allele CA10443890.

ClinVar aggregate classification (germline): Likely benign. Review status: reviewed by expert panel (3 of 4 stars). 3 submissions from 3 submitters: Likely benign (1). 2 of the submissions do not count toward it. Last evaluated 2024-04-03.

Conditions:
X-linked severe combined immunodeficiency (SCIDX1). Also called: X-Linked Combined Immunodeficiency Diseases; IMMUNODEFICIENCY 4; SCID, X-LINKED; SEVERE COMBINED IMMUNODEFICIENCY, X-LINKED, T CELL-NEGATIVE, B CELL-POSITIVE, NK CELL-NEGATIVE; T-B+ severe combined immunodeficiency due to gamma chain deficiency. Identifiers: Orphanet 276, MedGen C6022468, MONDO:0010315, OMIM 300400. Disease mechanism: loss of function.

Allele frequency attached by ClinVar (database versions not stated): gnomAD exomes 0.00001 and 0.00003; TOPMed 0.00001; ExAC 0.00002; gnomAD 0.00001.
gnomAD v4.1: 36 of 1,208,238 alleles (0.003%); highest among the groups gnomAD compares: Non-Finnish European, 0.0039%; no homozygotes.

Submissions (3):

ClinGen Severe Combined Immunodeficiency Variant Curation Expert Panel, ClinGen
Classification: Likely benign for X-linked severe combined immunodeficiency. Last evaluated: 2024-04-03. Review status: reviewed by expert panel. Criteria: ClinGen SCID ACMG Specifications IL2RG V1.0.0. Collection method: curation. Allele origin: germline. Inheritance: X-linked inheritance.
Comment: NM_000206.3(IL2RG):c.311A>T is a missense variant predicted to cause substitution of Histidine by Leucine at amino acid 104 (p.His104Leu). The filtering allele frequency (the upper threshold of the 95% CI of 35/893746 alleles) of the c.311A>T variant in IL2RG is 0.00002843 for European (Non-Finnish) chromosomes by gnomAD v4, which is lower than the ClinGen SCID VCEP threshold (<0.000124 ) for PM2_Supporting. However, as hemizygotes were observed, PM2 is not met. Eleven adult hemizygous occurrences are described in gnomAD (BS2_Strong). In summary, this variant meets the criteria to be classified as Likely Benign for autosomal recessive T-B+ severe combined immunodeficiency due to gamma chain deficiency based on the ACMG/AMP criteria applied, as specified by the ClinGen SCID VCEP: BS2_Strong (VCEP specifications version 1).

Labcorp Genetics (formerly Invitae), Labcorp
Classification: Likely benign for X-linked severe combined immunodeficiency. Last evaluated: 2025-12-15. Review status: criteria provided, single submitter. Criteria: Invitae Variant Classification Sherloc (09022015). Collection method: clinical testing. Allele origin: germline. Not counted in ClinVar's aggregate classification.

Natera, Inc.
Classification: Uncertain significance for X-linked severe combined immunodeficiency. Last evaluated: 2021-02-24. Review status: no assertion criteria provided. Collection method: clinical testing. Allele origin: germline. Not counted in ClinVar's aggregate classification.